The following is an entry in ClinVar:

NM_000196.4(HSD11B2):c.468C>A (p.Thr156=)

Gene: HSD11B2 (hydroxysteroid 11-beta dehydrogenase 2; plus strand). Cytogenetic location: 16q22.1.
Variant type: single nucleotide variant.
Coding change: c.468C>A on transcript NM_000196.4 (MANE Select); coding-DNA position 468, C replaced by A.
Protein change: p.Thr156=; no amino-acid change (threonine 156 retained).
Molecular consequence: synonymous variant.
Genome position (GRCh38, 1-based): chr16:67,435,830, C>A. VCF-style: chr16-67435830-C-A. GRCh37 (hg19) VCF-style: chr16-67469733-C-A.
Other names: p.Thr156=.
Identifiers: ClinVar variation 586028 (VCV000586028.14), dbSNP rs5479, ClinGen allele CA8110624.

ClinVar aggregate classification (germline): Benign/Likely benign. Review status: criteria provided, multiple submitters, no conflicts (2 of 4 stars). 7 submissions from 7 submitters: Benign (6); Likely benign (1). Last evaluated 2026-02-01.

Conditions:
Apparent mineralocorticoid excess (AME). Also called: CORTISOL 11-BETA-KETOREDUCTASE DEFICIENCY. Identifiers: Orphanet 320, MedGen C0342488, MONDO:0009025, OMIM 218030.

Allele frequency attached by ClinVar (database versions not stated): gnomAD 0.07968; TOPMed 0.08799; ESP Exome Variant Server 0.09110; 1000 Genomes Project 0.09265; 1000 Genomes Project 30x 0.09369.
gnomAD v4.1: 82,760 of 1,613,970 alleles (5.1%); highest among the groups gnomAD compares: African/African-American, 20%; 3,250 homozygotes.

Submissions (7):

Labcorp Genetics (formerly Invitae), Labcorp
Classification: Benign. Last evaluated: 2026-02-01. Review status: criteria provided, single submitter. Criteria: Invitae Variant Classification Sherloc (09022015). Collection method: clinical testing. Allele origin: germline.

Blueprint Genetics
Classification: Likely benign. Last evaluated: 2024-11-27. Review status: criteria provided, single submitter. Criteria: ACMG Guidelines, 2015. Collection method: clinical testing. Allele origin: germline.

Mayo Clinic Laboratories, Mayo Clinic
Classification: Benign. Last evaluated: 2022-11-15. Review status: criteria provided, single submitter. Criteria: ACMG Guidelines, 2015. Collection method: clinical testing. Allele origin: germline. Observed: 5 variant alleles.
Comment: BA1, BP4, BP7

Genome-Nilou Lab
Classification: Benign for Apparent mineralocorticoid excess. Last evaluated: 2021-08-10. Review status: criteria provided, single submitter. Criteria: ACMG Guidelines, 2015. Collection method: clinical testing. Allele origin: germline. Affected: no.

GeneDx
Classification: Benign. Last evaluated: 2019-11-22. Review status: criteria provided, single submitter. Criteria: GeneDx Variant Classification Process June 2021. Collection method: clinical testing. Allele origin: germline. Affected: yes.
Comment: This variant is associated with the following publications: (PMID: 16109323)

Athena Diagnostics
Classification: Benign. Last evaluated: 2017-08-14. Review status: criteria provided, single submitter. Criteria: Athena Diagnostics Criteria. Collection method: clinical testing. Allele origin: germline.

Breakthrough Genomics
Classification: Benign. Review status: criteria provided, single submitter. Criteria: ACMG Guidelines, 2015. Collection method: not provided. Allele origin: germline. Inheritance: Autosomal recessive inheritance. Affected: yes.